The following is an entry in ClinVar:

NM_020821.3(VPS13C):c.9889-3C>T

Gene: VPS13C (vacuolar protein sorting 13 homolog C; minus strand). Cytogenetic location: 15q22.2.
Variant type: single nucleotide variant.
Coding change: c.9889-3C>T on transcript NM_020821.3 (MANE Select); 3 bases into the intron before coding-DNA position 9889, C replaced by T.
Molecular consequence: intron variant.
Genome position (GRCh38, 1-based): chr15:61,880,725, G>A on the plus strand (C>T on the coding strand, the complement: VPS13C is on the minus strand). VCF-style: chr15-61880725-G-A. GRCh37 (hg19) VCF-style: chr15-62172924-G-A.
Other names: c.9760-3C>T (NM_017684.5, NM_018080.4); c.9889-3C>T (NM_001018088.3).
Identifiers: ClinVar variation 3034742 (VCV003034742.2), dbSNP rs778990310, ClinGen allele CA7594492.
Genomic context (GRCh38, chr15:61,880,725, plus strand): 5'-TTGAAGTCTCCATTAATTCTGCATTTAGAGCATCAATATCTTGTTGGATTAACTTTGTCT[G>A]AAAAAAATAAAATCAAGAATTTCTATTTTAATTTTTTTCTCTATTAGAATTCGTTCAAAA-3'

ClinVar aggregate classification (germline): Likely benign (0 of 4 stars; one submission).

Conditions:
VPS13C-related disorder. Also called: VPS13C-related condition.

Allele frequency attached by ClinVar (database versions not stated): gnomAD 0.00001; TOPMed 0.00001; ExAC 0.00006.
gnomAD v4.1: 55 of 1,561,690 alleles (0.0035%); highest among the groups gnomAD compares: Non-Finnish European, 0.0042%; no homozygotes.

Submission:

PreventionGenetics, part of Exact Sciences
Classification: Likely benign for VPS13C-related condition. Last evaluated: 2019-08-12. Review status: no assertion criteria provided. Collection method: clinical testing. Allele origin: germline.
Comment: This variant is classified as likely benign based on ACMG/AMP sequence variant interpretation guidelines (Richards et al. 2015 PMID: 25741868, with internal and published modifications).